The following is an entry in ClinVar:

ClinVar aggregate classification (germline): Uncertain significance (1 of 4 stars; one submission).

gnomAD v4.1: 2 of 1,614,198 alleles (0.00012%); highest among the groups gnomAD compares: Non-Finnish European, 0.00017%; no homozygotes.

Submission:

GeneDx
Classification: Uncertain significance. Last evaluated: 2024-06-06. Review status: criteria provided, single submitter. Criteria: GeneDx Variant Classification Process June 2021. Collection method: clinical testing. Allele origin: germline. Affected: yes.
Comment: Not observed at significant frequency in large population cohorts (gnomAD); In silico analysis indicates that this missense variant does not alter protein structure/function; Has not been previously published as pathogenic or benign to our knowledge

NM_006922.4(SCN3A):c.3280A>G (p.Ile1094Val)

Gene: SCN3A (sodium voltage-gated channel alpha subunit 3; minus strand). Cytogenetic location: 2q24.3.
Variant type: single nucleotide variant.
Coding change: c.3280A>G on transcript NM_006922.4 (MANE Select); coding-DNA position 3280, A replaced by G.
Protein change: p.Ile1094Val; replaces isoleucine 1094 with valine.
Molecular consequence: missense variant.
Genome position (GRCh38, 1-based): chr2:165,127,744, T>C on the plus strand (A>G on the coding strand, the complement: SCN3A is on the minus strand). VCF-style: chr2-165127744-T-C. GRCh37 (hg19) VCF-style: chr2-165984254-T-C.
Other names: c.3133A>G, p.Ile1045Val (NM_001081676.2, NM_001081677.2); short protein forms I1045V, I1094V.
Identifiers: ClinVar variation 3384278 (VCV003384278.1).